The following is an entry in ClinVar:

ClinVar aggregate classification (germline): Uncertain significance. Review status: criteria provided, multiple submitters, no conflicts (2 of 4 stars). 4 submissions from 4 submitters: Uncertain significance (3). 1 of the submissions does not count toward it. Last evaluated 2024-12-14.

Conditions:
Ehlers-Danlos syndrome, dermatosparaxis type. Also called: Ehlers-Danlos syndrome, type VII, autosomal recessive; Dermatosparaxis; EDS VIIC. Identifiers: Orphanet 1901, MedGen C2700425, MONDO:0009161, OMIM 225410.
Inborn genetic diseases. Identifiers: MedGen C0950123, MeSH D030342.

Allele frequency attached by ClinVar (database versions not stated): gnomAD exomes 0.00003 and 0.00009; ExAC 0.00022; TOPMed 0.00029; gnomAD 0.00032 and 0.00033; 1000 Genomes Project 0.00040; 1000 Genomes Project 30x 0.00047; ESP Exome Variant Server 0.00071.

Submissions (4):

GeneDx
Classification: Uncertain significance. Last evaluated: 2024-12-14. Review status: criteria provided, single submitter. Criteria: GeneDx Variant Classification Process June 2021. Collection method: clinical testing. Allele origin: germline. Affected: yes.
Comment: In silico analysis indicates that this missense variant does not alter protein structure/function; Has not been previously published as pathogenic or benign to our knowledge

Ambry Genetics
Classification: Uncertain significance for Inborn genetic diseases. Last evaluated: 2024-06-05. Review status: criteria provided, single submitter. Criteria: Ambry Variant Classification Scheme 2023. Collection method: clinical testing. Allele origin: germline.

Labcorp Genetics (formerly Invitae), Labcorp
Classification: Uncertain significance for Ehlers-Danlos syndrome, dermatosparaxis type. Last evaluated: 2022-07-25. Review status: criteria provided, single submitter. Criteria: Invitae Variant Classification Sherloc (09022015). Collection method: clinical testing. Allele origin: germline.
Comment: This sequence change replaces aspartic acid, which is acidic and polar, with asparagine, which is neutral and polar, at codon 606 of the ADAMTS2 protein (p.Asp606Asn). This variant is present in population databases (rs138399615, gnomAD 0.1%). This variant has not been reported in the literature in individuals affected with ADAMTS2-related conditions. ClinVar contains an entry for this variant (Variation ID: 432369). Algorithms developed to predict the effect of missense changes on protein structure and function output the following: SIFT: "Deleterious"; PolyPhen-2: "Benign"; Align-GVGD: "Class C0". The asparagine amino acid residue is found in multiple mammalian species, which suggests that this missense change does not adversely affect protein function. In summary, the available evidence is currently insufficient to determine the role of this variant in disease. Therefore, it has been classified as a Variant of Uncertain Significance.

Natera, Inc.
Classification: Uncertain significance for Ehlers-Danlos syndrome type VIIC. Last evaluated: 2019-10-28. Review status: no assertion criteria provided. Collection method: clinical testing. Allele origin: germline. Not counted in ClinVar's aggregate classification.

NM_014244.5(ADAMTS2):c.1816G>A (p.Asp606Asn)

Gene: ADAMTS2 (ADAM metallopeptidase with thrombospondin type 1 motif 2; minus strand). Cytogenetic location: 5q35.3.
Variant type: single nucleotide variant.
Coding change: c.1816G>A on transcript NM_014244.5 (MANE Select); coding-DNA position 1816, G replaced by A.
Protein change: p.Asp606Asn; replaces aspartic acid 606 with asparagine.
Molecular consequence: missense variant.
Genome position (GRCh38, 1-based): chr5:179,137,904, C>T on the plus strand (G>A on the coding strand, the complement: ADAMTS2 is on the minus strand). VCF-style: chr5-179137904-C-T. GRCh37 (hg19) VCF-style: chr5-178564905-C-T.
Other names: short protein forms D606N.
Identifiers: ClinVar variation 432369 (VCV000432369.9), dbSNP rs138399615, ClinGen allele CA3595770.